The following is an entry in ClinVar:

NM_004320.6(ATP2A1):c.2507G>A (p.Arg836His)

Gene: ATP2A1 (ATPase sarcoplasmic/endoplasmic reticulum Ca2+ transporting 1; plus strand). Cytogenetic location: 16p11.2.
Variant type: single nucleotide variant.
Coding change: c.2507G>A on transcript NM_004320.6 (MANE Select); coding-DNA position 2507, G replaced by A.
Protein change: p.Arg836His; replaces arginine 836 with histidine.
Molecular consequence: missense variant.
Genome position (GRCh38, 1-based): chr16:28,902,369, G>A. VCF-style: chr16-28902369-G-A. GRCh37 (hg19) VCF-style: chr16-28913690-G-A.
Other names: c.2132G>A, p.Arg711His (NM_001286075.2); c.2507G>A, p.Arg836His (NM_173201.5); short protein forms R711H, R836H.
Identifiers: ClinVar variation 2175463 (VCV002175463.4), dbSNP rs761928308, ClinGen allele CA7987274.
Genomic context (GRCh38, chr16:28,902,369, plus strand): 5'-TCATGGACCGCCCCCCCCGGAGCCCCAAGGAGCCCCTCATCAGTGGCTGGCTCTTCTTCC[G>A]CTACATGGCAATCGGGGGTGAGCTGGAGGGGTTCCTCGATCCTCCCCACCCCTTGGGACT-3'
Protein context (NP_004311.1, residues 826-846): EPLISGWLFF[Arg836His]YMAIGGYVGA

ClinVar aggregate classification (germline): Uncertain significance (1 of 4 stars; one submission).

Conditions:
Brody myopathy. Also called: BRODY DISEASE. Identifiers: Orphanet 53347, MedGen C1832918, MONDO:0010977, OMIM 601003.

Allele frequency attached by ClinVar (database versions not stated): gnomAD exomes 0.00001; TOPMed 0.00001; ExAC 0.00002.
gnomAD v4.1: 15 of 1,613,928 alleles (0.00093%); highest among the groups gnomAD compares: South Asian, 0.0055%; no homozygotes.

Submission:

Labcorp Genetics (formerly Invitae), Labcorp
Classification: Uncertain significance for Brody myopathy. Last evaluated: 2022-04-04. Review status: criteria provided, single submitter. Criteria: Invitae Variant Classification Sherloc (09022015). Collection method: clinical testing. Allele origin: germline.
Comment: Algorithms developed to predict the effect of missense changes on protein structure and function are either unavailable or do not agree on the potential impact of this missense change (SIFT: "Deleterious"; PolyPhen-2: "Probably Damaging"; Align-GVGD: "Class C0"). This variant has not been reported in the literature in individuals affected with ATP2A1-related conditions. This variant is present in population databases (rs761928308, gnomAD 0.006%). This sequence change replaces arginine, which is basic and polar, with histidine, which is basic and polar, at codon 836 of the ATP2A1 protein (p.Arg836His). In summary, the available evidence is currently insufficient to determine the role of this variant in disease. Therefore, it has been classified as a Variant of Uncertain Significance.